The following is an entry in ClinVar:

ClinVar aggregate classification (germline): Pathogenic (1 of 4 stars; one submission).

Conditions:
Arrhythmogenic right ventricular dysplasia 9 (ARVD9). Also called: Arrhythmogenic Right Ventricular Dysplasia/Cardiomyopathy 9; ARRHYTHMOGENIC RIGHT VENTRICULAR DYSPLASIA, FAMILIAL, 9. Identifiers: MedGen C1836906, MONDO:0012180, OMIM 609040.

Submission:

Labcorp Genetics (formerly Invitae), Labcorp
Classification: Pathogenic for Arrhythmogenic right ventricular dysplasia 9. Last evaluated: 2025-03-05. Review status: criteria provided, single submitter. Criteria: Invitae Variant Classification Sherloc (09022015). Collection method: clinical testing. Allele origin: germline.
Comment: This sequence change results in a frameshift in the PKP2 gene (p.Gly818Alafs*113). While this is not anticipated to result in nonsense mediated decay, it is expected to disrupt the last 64 amino acid(s) of the PKP2 protein and extend the protein by 48 additional amino acid residues. This variant is not present in population databases (gnomAD no frequency). This variant has not been reported in the literature in individuals affected with PKP2-related conditions. This variant disrupts a region of the PKP2 protein in which other variant(s) (p.Glu852Asnfs*79) have been determined to be pathogenic (PMID: 19427443, 24125834; Internal data). This suggests that this is a clinically significant region of the protein, and that variants that disrupt it are likely to be disease-causing. For these reasons, this variant has been classified as Pathogenic.

Literature cited by the submitters: PubMed 19427443; PubMed 24125834.

NM_001005242.3(PKP2):c.2321del (p.Gly774fs)

Gene: PKP2 (plakophilin 2; minus strand). Cytogenetic location: 12p11.21.
Variant type: Deletion.
Coding change: c.2321del on transcript NM_001005242.3 (MANE Select); coding-DNA position 2321, one base deleted (G; older notation c.2321delG).
Protein change: p.Gly774fs; shifts the reading frame from glycine 774.
Molecular consequence: frameshift variant. On other transcripts: intron variant (2).
Genome position (GRCh38, 1-based): chr12:32,796,145, C deleted on the plus strand (G on the coding strand, the reverse complement: PKP2 is on the minus strand); the first of 5 consecutive C bases (chr12:32,796,145-32,796,149); deleting any one gives the same sequence. VCF-style (leftmost placement, unchanged base first): chr12-32796144-GC-G. GRCh37 (hg19) VCF-style: chr12-32949078-GC-G.
Other names: c.2156del, p.Gly719fs (NM_001407156.1); c.1994del, p.Gly665fs (NM_001407158.1, NM_001407159.1); c.2453del, p.Gly818fs (NM_004572.4); c.2168-3414del (NM_001407155.1); c.1841-3414del (NM_001407160.1); short protein forms G665fs, G818fs, G719fs, G774fs.
Identifiers: ClinVar variation 4742942 (VCV004742942.1).